The following is an entry in ClinVar:

NM_007294.4(BRCA1):c.2646T>A (p.Cys882Ter)

Gene: BRCA1 (BRCA1 DNA repair associated; minus strand). Cytogenetic location: 17q21.31.
Variant type: single nucleotide variant.
Coding change: c.2646T>A on transcript NM_007294.4 (MANE Select); coding-DNA position 2646, T replaced by A.
Protein change: p.Cys882Ter; replaces cysteine 882 with a stop codon.
Molecular consequence: nonsense. On other transcripts: intron variant (137).
Genome position (GRCh38, 1-based): chr17:43,092,885, A>T on the plus strand (T>A on the coding strand, the complement: BRCA1 is on the minus strand). VCF-style: chr17-43092885-A-T. GRCh37 (hg19) VCF-style: chr17-41244902-A-T.
Other names: c.524-1853T>A (NM_001408496.1, NM_001408498.1, NM_001408501.1 and 3 more transcripts); c.647-1853T>A (NM_001408460.1, NM_001408454.1, NM_001408458.1 and 11 more transcripts); c.707-1853T>A (NM_001408413.1, NM_001408416.1); c.2433T>A, p.Cys811Ter (NM_001407571.1, NM_001407853.1, NM_001407894.1 and 9 more transcripts); c.2646T>A, p.Cys882Ter (NM_001407581.1, NM_001407582.1, NM_001407583.1 and 30 more transcripts); c.2643T>A, p.Cys881Ter (NM_001407587.1, NM_001407590.1, NM_001407591.1 and 22 more transcripts); c.2568T>A, p.Cys856Ter (NM_001407658.1, NM_001407663.1, NM_001407653.1 and 4 more transcripts); c.2565T>A, p.Cys855Ter (NM_001407659.1, NM_001407660.1, NM_001407661.1 and 1 more transcripts); and 41 more; short protein forms C586*, C714*, C754*, C755*, C770*, C771*, C793*, C794*.
Identifiers: ClinVar variation 2573266 (VCV002573266.1), dbSNP rs2053723557, ClinGen allele CA10596702.

ClinVar aggregate classification (germline): Pathogenic (1 of 4 stars; one submission).

Conditions:
Breast-ovarian cancer, familial, susceptibility to, 1 (BROVCA1). Also called: BRCA1 Hereditary Breast and Ovarian Cancer; OVARIAN CANCER, SUSCEPTIBILITY TO. Identifiers: Orphanet 145, MedGen C2676676, MONDO:0011450, OMIM 604370. Disease mechanism: loss of function.

Allele frequency attached by ClinVar (database versions not stated): gnomAD exomes below 0.00001.
gnomAD v4.1: 1 of 1,613,926 alleles (0.000062%); highest among the groups gnomAD compares: Non-Finnish European, 0.000085%; no homozygotes.

Submission:

Myriad Genetics, Inc.
Classification: Pathogenic for Breast-ovarian cancer, familial, susceptibility to, 1. Last evaluated: 2023-04-10. Review status: criteria provided, single submitter. Criteria: Myriad Autosomal Dominant, Autosomal Recessive and X-Linked Classification Criteria (2023). Collection method: clinical testing. Allele origin: unknown.
Comment: This variant is considered pathogenic. This variant creates a termination codon and is predicted to result in premature protein truncation.